The following is an entry in ClinVar:

ClinVar aggregate classification (germline): Uncertain significance (1 of 4 stars; one submission).

Allele frequency attached by ClinVar (database versions not stated): ExAC 0.00001.
gnomAD v4.1: 4 of 1,211,552 alleles (0.00033%); highest among the groups gnomAD compares: South Asian, 0.0018%; no homozygotes.

Submission:

Labcorp Genetics (formerly Invitae), Labcorp
Classification: Uncertain significance. Last evaluated: 2023-08-02. Review status: criteria provided, single submitter. Criteria: Invitae Variant Classification Sherloc (09022015). Collection method: clinical testing. Allele origin: germline.
Comment: This sequence change replaces valine, which is neutral and non-polar, with leucine, which is neutral and non-polar, at codon 215 of the CLCN5 protein (p.Val215Leu). This variant is present in population databases (rs781944849, gnomAD 0.005%). This variant has not been reported in the literature in individuals affected with CLCN5-related conditions. An algorithm developed to predict the effect of missense changes on protein structure and function (PolyPhen-2) suggests that this variant is likely to be disruptive. In summary, the available evidence is currently insufficient to determine the role of this variant in disease. Therefore, it has been classified as a Variant of Uncertain Significance.

NM_001127898.4(CLCN5):c.853G>C (p.Val285Leu)

Gene: CLCN5 (chloride voltage-gated channel 5; plus strand). Cytogenetic location: Xp11.23.
Variant type: single nucleotide variant.
Coding change: c.853G>C on transcript NM_001127898.4 (MANE Select); coding-DNA position 853, G replaced by C.
Protein change: p.Val285Leu; replaces valine 285 with leucine.
Molecular consequence: missense variant.
Genome position (GRCh38, 1-based): chrX:50,081,767, G>C. VCF-style: chrX-50081767-G-C. GRCh37 (hg19) VCF-style: chrX-49846424-G-C.
Other names: c.643G>C, p.Val215Leu (NM_000084.5); c.853G>C, p.Val285Leu (NM_001127899.4); c.703G>C, p.Val235Leu (NM_001282163.2); short protein forms V285L, V235L, V215L.
Identifiers: ClinVar variation 2794950 (VCV002794950.3), dbSNP rs781944849, ClinGen allele CA10413797.